The following is an entry in ClinVar:

ClinVar aggregate classification (germline): Uncertain significance (1 of 4 stars; one submission).

Conditions:
Aortic aneurysm, familial thoracic 7 (AAT7). Also called: AORTIC DISSECTION, FAMILIAL, WITH OR WITHOUT AORTIC ANEURYSM. Identifiers: MedGen C3151077, MONDO:0013418, OMIM 613780.

gnomAD v4.1: 1 of 1,613,938 alleles (0.000062%); highest among the groups gnomAD compares: Middle Eastern, 0.016%; no homozygotes.

Submission:

Labcorp Genetics (formerly Invitae), Labcorp
Classification: Uncertain significance for Aortic aneurysm, familial thoracic 7. Last evaluated: 2025-08-25. Review status: criteria provided, single submitter. Criteria: Invitae Variant Classification Sherloc (09022015). Collection method: clinical testing. Allele origin: germline.
Comment: This sequence change replaces proline, which is neutral and non-polar, with serine, which is neutral and polar, at codon 28 of the MYLK protein (p.Pro28Ser). This variant is not present in population databases (gnomAD no frequency). This variant has not been reported in the literature in individuals affected with MYLK-related conditions. Invitae Evidence Modeling of protein sequence and biophysical properties (such as structural, functional, and spatial information, amino acid conservation, physicochemical variation, residue mobility, and thermodynamic stability) indicates that this missense variant is not expected to disrupt MYLK protein function with a negative predictive value of 95%. In summary, the available evidence is currently insufficient to determine the role of this variant in disease. Therefore, it has been classified as a Variant of Uncertain Significance.

NM_053025.4(MYLK):c.82C>T (p.Pro28Ser)

Gene: MYLK (myosin light chain kinase; minus strand). Cytogenetic location: 3q21.1.
Variant type: single nucleotide variant.
Coding change: c.82C>T on transcript NM_053025.4 (MANE Select); coding-DNA position 82, C replaced by T.
Protein change: p.Pro28Ser; replaces proline 28 with serine.
Molecular consequence: missense variant. On other transcripts: 5 prime UTR variant (1).
Genome position (GRCh38, 1-based): chr3:123,793,760, G>A on the plus strand (C>T on the coding strand, the complement: MYLK is on the minus strand). VCF-style: chr3-123793760-G-A. GRCh37 (hg19) VCF-style: chr3-123512607-G-A.
Other names: c.-239C>T (NM_001321309.2); c.82C>T, p.Pro28Ser (NM_053026.4, NM_053027.4, NM_053028.4); short protein forms P28S.
Identifiers: ClinVar variation 4704683 (VCV004704683.1).